The following is an entry in ClinVar:

NM_016507.4(CDK12):c.3895G>A (p.Ala1299Thr)

Gene: CDK12 (cyclin dependent kinase 12; plus strand). Cytogenetic location: 17q12.
Variant type: single nucleotide variant.
Coding change: c.3895G>A on transcript NM_016507.4 (MANE Select); coding-DNA position 3895, G replaced by A.
Protein change: p.Ala1299Thr; replaces alanine 1299 with threonine.
Molecular consequence: missense variant.
Genome position (GRCh38, 1-based): chr17:39,530,738, G>A. VCF-style: chr17-39530738-G-A. GRCh37 (hg19) VCF-style: chr17-37686991-G-A.
Other names: c.3868G>A, p.Ala1290Thr (NM_015083.4); short protein forms A1290T, A1299T.
Identifiers: ClinVar variation 3999446 (VCV003999446.1).

ClinVar aggregate classification (germline): Uncertain significance (1 of 4 stars; one submission).

Submission:

Ambry Genetics
Classification: Uncertain significance. Last evaluated: 2025-05-11. Review status: criteria provided, single submitter. Criteria: Ambry Variant Classification Scheme 2023. Collection method: clinical testing. Allele origin: germline.
Comment: The p.A1299T variant (also known as c.3895G>A), located in coding exon 14 of the CDK12 gene, results from a G to A substitution at nucleotide position 3895. The alanine at codon 1299 is replaced by threonine, an amino acid with similar properties. This amino acid position is conserved. In addition, the in silico prediction for this alteration is inconclusive. Based on the available evidence, the clinical significance of this variant remains unclear.